The following is an entry in ClinVar:

NM_006766.5(KAT6A):c.325G>A (p.Gly109Ser)

Gene: KAT6A (lysine acetyltransferase 6A; minus strand). Cytogenetic location: 8p11.21.
Variant type: single nucleotide variant.
Coding change: c.325G>A on transcript NM_006766.5 (MANE Select); coding-DNA position 325, G replaced by A.
Protein change: p.Gly109Ser; replaces glycine 109 with serine.
Molecular consequence: missense variant.
Genome position (GRCh38, 1-based): chr8:42,048,653, C>T on the plus strand (G>A on the coding strand, the complement: KAT6A is on the minus strand). VCF-style: chr8-42048653-C-T. GRCh37 (hg19) VCF-style: chr8-41906171-C-T.
Other names: c.325G>A, p.Gly109Ser (NM_001305878.2); short protein forms G109S.
Identifiers: ClinVar variation 3720531 (VCV003720531.2).
Genomic context (GRCh38, chr8:42,048,653, plus strand): 5'-TCTGACCTTTCAAAAAACGTTCAATGCTTTTCAAAGTTGAGCCACCAGACTCTGCCAAGC[C>T]CTCAACTGCCCGCTTTATCAGTTTATTCCAATCCACATTTTGTTTATTATCCAATTTTCC-3'
Protein context (NP_006757.2, residues 99-119): WNKLIKRAVE[Gly109Ser]LAESGGSTLK

ClinVar aggregate classification (germline): Uncertain significance (1 of 4 stars; one submission).

Submission:

Labcorp Genetics (formerly Invitae), Labcorp
Classification: Uncertain significance. Last evaluated: 2024-11-07. Review status: criteria provided, single submitter. Criteria: Invitae Variant Classification Sherloc (09022015). Collection method: clinical testing. Allele origin: germline.
Comment: This sequence change replaces glycine, which is neutral and non-polar, with serine, which is neutral and polar, at codon 109 of the KAT6A protein (p.Gly109Ser). This variant is not present in population databases (gnomAD no frequency). This variant has not been reported in the literature in individuals affected with KAT6A-related conditions. Invitae Evidence Modeling of protein sequence and biophysical properties (such as structural, functional, and spatial information, amino acid conservation, physicochemical variation, residue mobility, and thermodynamic stability) indicates that this missense variant is not expected to disrupt KAT6A protein function with a negative predictive value of 95%. In summary, the available evidence is currently insufficient to determine the role of this variant in disease. Therefore, it has been classified as a Variant of Uncertain Significance.